The following is an entry in ClinVar:

ClinVar aggregate classification (germline): Uncertain significance (1 of 4 stars; one submission).

Conditions:
Mitochondrial complex II deficiency, nuclear type 1. Also called: SUCCINATE CoQ REDUCTASE DEFICIENCY. Identifiers: Orphanet 3208, MedGen C5700310, MONDO:0100294, OMIM 252011.
Pheochromocytoma/paraganglioma syndrome 5. Also called: Paragangliomas 5; SDHA-Related Hereditary Paraganglioma-Pheochromocytoma Syndrome. Identifiers: Orphanet 29072, MedGen C3279992, MONDO:0013602, OMIM 614165.

Submission:

Labcorp Genetics (formerly Invitae), Labcorp
Classification: Uncertain significance for Pheochromocytoma/paraganglioma syndrome 5; Mitochondrial complex II deficiency, nuclear type 1. Last evaluated: 2024-05-14. Review status: criteria provided, single submitter. Criteria: Invitae Variant Classification Sherloc (09022015). Collection method: clinical testing. Allele origin: germline.
Comment: This sequence change replaces alanine, which is neutral and non-polar, with serine, which is neutral and polar, at codon 575 of the SDHA protein (p.Ala575Ser). This variant is not present in population databases (gnomAD no frequency). This variant has not been reported in the literature in individuals affected with SDHA-related conditions. Advanced modeling of protein sequence and biophysical properties (such as structural, functional, and spatial information, amino acid conservation, physicochemical variation, residue mobility, and thermodynamic stability) has been performed at Invitae for this missense variant, however the output from this modeling did not meet the statistical confidence thresholds required to predict the impact of this variant on SDHA protein function. In summary, the available evidence is currently insufficient to determine the role of this variant in disease. Therefore, it has been classified as a Variant of Uncertain Significance.

NM_004168.4(SDHA):c.1723G>T (p.Ala575Ser)

Gene: SDHA (succinate dehydrogenase complex flavoprotein subunit A; plus strand). Cytogenetic location: 5p15.33.
Variant type: single nucleotide variant.
Coding change: c.1723G>T on transcript NM_004168.4 (MANE Select); coding-DNA position 1723, G replaced by T.
Protein change: p.Ala575Ser; replaces alanine 575 with serine.
Molecular consequence: missense variant. On other transcripts: intron variant (1).
Genome position (GRCh38, 1-based): chr5:251,397, G>T. VCF-style: chr5-251397-G-T. GRCh37 (hg19) VCF-style: chr5-251512-G-T.
Other names: c.1579G>T, p.Ala527Ser (NM_001294332.2); c.1552-2996G>T (NM_001330758.2); short protein forms A527S, A575S.
Identifiers: ClinVar variation 3754210 (VCV003754210.2).